The following is an entry in ClinVar:

NM_000487.6(ARSA):c.1408G>A (p.Ala470Thr)

Gene: ARSA (arylsulfatase A; minus strand). Cytogenetic location: 22q13.33.
Variant type: single nucleotide variant.
Coding change: c.1408G>A on transcript NM_000487.6 (MANE Select); coding-DNA position 1408, G replaced by A.
Protein change: p.Ala470Thr; replaces alanine 470 with threonine.
Molecular consequence: missense variant.
Genome position (GRCh38, 1-based): chr22:50,625,267, C>T on the plus strand (G>A on the coding strand, the complement: ARSA is on the minus strand). VCF-style: chr22-50625267-C-T. GRCh37 (hg19) VCF-style: chr22-51063695-C-T.
Other names: c.1408G>A, p.Ala470Thr (NM_001085425.3, NM_001085426.3, NM_001085427.3); c.1150G>A, p.Ala384Thr (NM_001085428.3, NM_001362782.2); short protein forms A384T, A470T.
Identifiers: ClinVar variation 2141293 (VCV002141293.7), dbSNP rs765452751, ClinGen allele CA10324733.

ClinVar aggregate classification (germline): Conflicting classifications of pathogenicity. Review status: criteria provided, conflicting classifications (1 of 4 stars). 2 submissions from 2 submitters: Uncertain significance (1); Likely benign (1). Last evaluated 2026-04-14.

Conditions:
Metachromatic leukodystrophy (MLD). Also called: ARSA DEFICIENCY; CEREBROSIDE SULFATASE DEFICIENCY; METACHROMATIC LEUKOENCEPHALOPATHY; SULFATIDE LIPIDOSIS; Cerebral sclerosis diffuse metachromatic form; Arylsulfatase A Deficiency. Identifiers: Orphanet 512, MedGen C0023522, MONDO:0018868, OMIM 250100.

Allele frequency attached by ClinVar (database versions not stated): ExAC 0.00016; gnomAD exomes 0.00005; TOPMed 0.00003; gnomAD 0.00004.
gnomAD v4.1: 78 of 1,612,530 alleles (0.0048%); highest among the groups gnomAD compares: South Asian, 0.057%; no homozygotes.

Submissions (2):

GeneDx
Classification: Uncertain significance. Last evaluated: 2026-04-14. Review status: criteria provided, single submitter. Criteria: GeneDx Variant Classification Process June 2021. Collection method: clinical testing. Allele origin: germline.
Comment: In silico analysis suggests that this missense variant does not alter protein structure/function; Has not been previously published as pathogenic or benign to our knowledge

Labcorp Genetics (formerly Invitae), Labcorp
Classification: Likely benign for Metachromatic leukodystrophy. Last evaluated: 2025-12-01. Review status: criteria provided, single submitter. Criteria: Invitae Variant Classification Sherloc (09022015). Collection method: clinical testing. Allele origin: germline.